The following is an entry in ClinVar:

NM_004531.5(MOCS2):c.85T>C (p.Phe29Leu)

Gene: MOCS2 (molybdenum cofactor synthesis 2; minus strand). Cytogenetic location: 5q11.2.
Variant type: single nucleotide variant.
Coding change: c.85T>C on transcript NM_004531.5 (MANE Select); coding-DNA position 85, T replaced by C.
Protein change: p.Phe29Leu; replaces phenylalanine 29 with leucine.
Molecular consequence: missense variant. On other transcripts: 3 prime UTR variant (1).
Genome position (GRCh38, 1-based): chr5:53,107,090, A>G on the plus strand (T>C on the coding strand, the complement: MOCS2 is on the minus strand). VCF-style: chr5-53107090-A-G. GRCh37 (hg19) VCF-style: chr5-52402920-A-G.
Other names: c.*5T>C (NM_176806.4); c.85T>C, p.Phe29Leu (NM_183418.1); short protein forms F29L.
Identifiers: ClinVar variation 1994971 (VCV001994971.4), dbSNP rs2478613042, ClinGen allele CA359693645.

ClinVar aggregate classification (germline): Uncertain significance (1 of 4 stars; one submission).

Submission:

Labcorp Genetics (formerly Invitae), Labcorp
Classification: Uncertain significance. Last evaluated: 2025-06-12. Review status: criteria provided, single submitter. Criteria: Invitae Variant Classification Sherloc (09022015). Collection method: clinical testing. Allele origin: germline.
Comment: This sequence change replaces phenylalanine, which is neutral and non-polar, with leucine, which is neutral and non-polar, at codon 29 of the MOCS2B protein (p.Phe29Leu). This variant is not present in population databases (gnomAD no frequency). This variant has not been reported in the literature in individuals affected with MOCS2B-related conditions. ClinVar contains an entry for this variant (Variation ID: 1994971). An algorithm developed to predict the effect of missense changes on protein structure and function outputs the following: PolyPhen-2: "Benign". The leucine amino acid residue is found in multiple mammalian species, which suggests that this missense change does not adversely affect protein function. In summary, the available evidence is currently insufficient to determine the role of this variant in disease. Therefore, it has been classified as a Variant of Uncertain Significance.